The following is an entry in ClinVar:

ClinVar aggregate classification (germline): Uncertain significance. Review status: criteria provided, multiple submitters, no conflicts (2 of 4 stars). 2 submissions from 2 submitters: Uncertain significance (2). Last evaluated 2024-10-24.

Conditions:
Inborn genetic diseases. Identifiers: MedGen C0950123, MeSH D030342.

Allele frequency attached by ClinVar (database versions not stated): gnomAD exomes 0.00005 and 0.00006; ExAC 0.00007; ESP Exome Variant Server 0.00008; gnomAD 0.00009; TOPMed 0.00009; 1000 Genomes Project 0.00020; 1000 Genomes Project 30x 0.00031.
gnomAD v4.1: 84 of 1,614,140 alleles (0.0052%); highest among the groups gnomAD compares: Non-Finnish European, 0.0065%; no homozygotes.

Submissions (2):

Labcorp Genetics (formerly Invitae), Labcorp
Classification: Uncertain significance. Last evaluated: 2024-10-24. Review status: criteria provided, single submitter. Criteria: Invitae Variant Classification Sherloc (09022015). Collection method: clinical testing. Allele origin: germline.
Comment: This sequence change replaces serine, which is neutral and polar, with arginine, which is basic and polar, at codon 259 of the SLC20A2 protein (p.Ser259Arg). This variant is present in population databases (rs369833460, gnomAD 0.01%). This variant has not been reported in the literature in individuals affected with SLC20A2-related conditions. ClinVar contains an entry for this variant (Variation ID: 1441998). Invitae Evidence Modeling of protein sequence and biophysical properties (such as structural, functional, and spatial information, amino acid conservation, physicochemical variation, residue mobility, and thermodynamic stability) indicates that this missense variant is not expected to disrupt SLC20A2 protein function with a negative predictive value of 95%. In summary, the available evidence is currently insufficient to determine the role of this variant in disease. Therefore, it has been classified as a Variant of Uncertain Significance.

Ambry Genetics
Classification: Uncertain significance for Inborn genetic diseases. Last evaluated: 2023-02-10. Review status: criteria provided, single submitter. Criteria: Ambry Variant Classification Scheme 2023. Collection method: clinical testing. Allele origin: germline.

NM_001257180.2(SLC20A2):c.777C>G (p.Ser259Arg)

Gene: SLC20A2 (solute carrier family 20 member 2; minus strand). Cytogenetic location: 8p11.21.
Variant type: single nucleotide variant.
Coding change: c.777C>G on transcript NM_001257180.2 (MANE Select); coding-DNA position 777, C replaced by G.
Protein change: p.Ser259Arg; replaces serine 259 with arginine.
Molecular consequence: missense variant.
Genome position (GRCh38, 1-based): chr8:42,439,607, G>C on the plus strand (C>G on the coding strand, the complement: SLC20A2 is on the minus strand). VCF-style: chr8-42439607-G-C. GRCh37 (hg19) VCF-style: chr8-42297125-G-C.
Other names: c.777C>G, p.Ser259Arg (NM_001257181.2, NM_006749.5); c.777C>G (NM_006749.3); short protein forms S259R.
Identifiers: ClinVar variation 1441998 (VCV001441998.7), dbSNP rs369833460, ClinGen allele CA4733460.